The following is an entry in ClinVar:

ClinVar aggregate classification (germline): Uncertain significance (1 of 4 stars; one submission).

Conditions:
Multiple congenital exostosis (EXT). Also called: Hereditary multiple osteochondromas; Hereditary multiple exostoses; Hereditary multiple exostosis; MULTIPLE CARTILAGINOUS EXOSTOSES; Multiple osteochondromas; Multiple exostoses. Identifiers: Orphanet 321, MedGen C0015306, MONDO:0005508, HP:0002762.

Allele frequency attached by ClinVar (database versions not stated): gnomAD exomes below 0.00001.
gnomAD v4.1: 1 of 1,614,218 alleles (0.000062%); highest among the groups gnomAD compares: Non-Finnish European, 0.000085%; no homozygotes.

Submission:

Labcorp Genetics (formerly Invitae), Labcorp
Classification: Uncertain significance for Multiple congenital exostosis. Last evaluated: 2020-07-20. Review status: criteria provided, single submitter. Criteria: Invitae Variant Classification Sherloc (09022015). Collection method: clinical testing. Allele origin: germline.
Comment: This sequence change replaces glutamine with arginine at codon 150 of the EXT1 protein (p.Gln150Arg). The glutamine residue is moderately conserved and there is a small physicochemical difference between glutamine and arginine. This variant is not present in population databases (ExAC no frequency). This variant has been observed in individual(s) with multiple osteochondromas (PMID: 26961984). Advanced modeling of protein sequence and biophysical properties (such as structural, functional, and spatial information, amino acid conservation, physicochemical variation, residue mobility, and thermodynamic stability) performed at Invitae indicates that this missense variant is not expected to disrupt EXT1 protein function. In summary, the available evidence is currently insufficient to determine the role of this variant in disease. Therefore, it has been classified as a Variant of Uncertain Significance.

Literature cited by the submitters: PubMed 26961984.

NM_000127.3(EXT1):c.449A>G (p.Gln150Arg)

Gene: EXT1 (exostosin glycosyltransferase 1; minus strand). Cytogenetic location: 8q24.11.
Variant type: single nucleotide variant.
Coding change: c.449A>G on transcript NM_000127.3 (MANE Select); coding-DNA position 449, A replaced by G.
Protein change: p.Gln150Arg; replaces glutamine 150 with arginine.
Molecular consequence: missense variant.
Genome position (GRCh38, 1-based): chr8:118,110,598, T>C on the plus strand (A>G on the coding strand, the complement: EXT1 is on the minus strand). VCF-style: chr8-118110598-T-C. GRCh37 (hg19) VCF-style: chr8-119122837-T-C.
Other names: short protein forms Q150R.
Identifiers: ClinVar variation 1051489 (VCV001051489.9), dbSNP rs1817880148, ClinGen allele CA371915824.